The following is an entry in ClinVar:

NM_000041.4(APOE):c.283G>A (p.Glu95Lys)

Gene: APOE (apolipoprotein E; plus strand). Cytogenetic location: 19q13.32.
Variant type: single nucleotide variant.
Coding change: c.283G>A on transcript NM_000041.4 (MANE Select); coding-DNA position 283, G replaced by A.
Protein change: p.Glu95Lys; replaces glutamic acid 95 with lysine.
Molecular consequence: missense variant.
Genome position (GRCh38, 1-based): chr19:44,908,579, G>A. VCF-style: chr19-44908579-G-A. GRCh37 (hg19) VCF-style: chr19-45411836-G-A.
Other names: c.361G>A, p.Glu121Lys (NM_001302688.2); c.283G>A, p.Glu95Lys (NM_001302689.2, NM_001302690.2, NM_001302691.2); short protein forms E121K, E95K.
Identifiers: ClinVar variation 3231965 (VCV003231965.1), dbSNP rs1969855667, ClinGen allele CA406303718.

ClinVar aggregate classification (germline): Uncertain significance (1 of 4 stars; one submission).

Conditions:
Cardiovascular phenotype. Identifiers: MedGen CN230736.

Allele frequency attached by ClinVar (database versions not stated): TOPMed below 0.00001; gnomAD exomes 0.00001.

Submission:

Ambry Genetics
Classification: Uncertain significance for Cardiovascular phenotype. Last evaluated: 2024-02-23. Review status: criteria provided, single submitter. Criteria: Ambry Variant Classification Scheme 2023. Collection method: clinical testing. Allele origin: germline.
Comment: The p.E95K variant (also known as c.283G>A), located in coding exon 3 of the APOE gene, results from a G to A substitution at nucleotide position 283. The glutamic acid at codon 95 is replaced by lysine, an amino acid with similar properties. This amino acid position is conserved. In addition, the in silico prediction for this alteration is inconclusive. Based on the available evidence, the clinical significance of this alteration remains unclear.